The following is an entry in ClinVar:

NM_183357.3(ADCY5):c.1902G>C (p.Glu634Asp)

Gene: ADCY5 (adenylate cyclase 5; minus strand). Cytogenetic location: 3q21.1.
Variant type: single nucleotide variant.
Coding change: c.1902G>C on transcript NM_183357.3 (MANE Select); coding-DNA position 1902, G replaced by C.
Protein change: p.Glu634Asp; replaces glutamic acid 634 with aspartic acid.
Molecular consequence: missense variant.
Genome position (GRCh38, 1-based): chr3:123,327,663, C>G on the plus strand (G>C on the coding strand, the complement: ADCY5 is on the minus strand). VCF-style: chr3-123327663-C-G. GRCh37 (hg19) VCF-style: chr3-123046510-C-G.
Other names: c.852G>C, p.Glu284Asp (NM_001199642.1); c.1902G>C, p.Glu634Asp (NM_001378259.1); short protein forms E634D, E284D.
Identifiers: ClinVar variation 381222 (VCV000381222.63), dbSNP rs61734561, ClinGen allele CA2577336.

ClinVar aggregate classification (germline): Conflicting classifications of pathogenicity. Review status: criteria provided, conflicting classifications (1 of 4 stars). 9 submissions from 9 submitters: Uncertain significance (1); Benign (1); Likely benign (5). 2 of the submissions do not count toward it. Last evaluated 2026-09-01.

Conditions:
Dyskinesia with orofacial involvement, autosomal dominant (DSKOD). Also called: Familial Dyskinesia with Facial Myokymia (FDFM); Dyskinesia, familial, with facial myokymia; Familial dyskinesia and facial myokymia. Identifiers: Orphanet 324588, MedGen C1847627, MONDO:0800028, OMIM 606703.
Inborn genetic diseases. Identifiers: MedGen C0950123, MeSH D030342.

Allele frequency attached by ClinVar (database versions not stated): 1000 Genomes Project 30x 0.00141; 1000 Genomes Project 0.00160; TOPMed 0.00327; ESP Exome Variant Server 0.00354; gnomAD 0.00436 and 0.00451.
gnomAD v4.1: 6,728 of 1,614,118 alleles (0.42%); highest among the groups gnomAD compares: Non-Finnish European, 0.46%; 38 homozygotes.

Submissions (9):

CeGaT Center for Human Genetics Tuebingen
Classification: Likely benign. Last evaluated: 2026-09-01. Review status: criteria provided, single submitter. Criteria: CeGaT Center For Human Genetics Tuebingen Variant Classification Criteria Version 2. Collection method: clinical testing. Allele origin: germline. Affected: yes. Observed: 47 variant alleles.
Comment: ADCY5: BS2

Labcorp Genetics (formerly Invitae), Labcorp
Classification: Benign. Last evaluated: 2026-02-02. Review status: criteria provided, single submitter. Criteria: Invitae Variant Classification Sherloc (09022015). Collection method: clinical testing. Allele origin: germline.

Blueprint Genetics
Classification: Likely benign. Last evaluated: 2024-11-25. Review status: criteria provided, single submitter. Criteria: ACMG Guidelines, 2015. Collection method: clinical testing. Allele origin: germline.

Ambry Genetics
Classification: Likely benign for Inborn genetic diseases. Last evaluated: 2021-11-19. Review status: criteria provided, single submitter. Criteria: Ambry Variant Classification Scheme 2023. Collection method: clinical testing. Allele origin: germline.

GeneDx
Classification: Likely benign. Last evaluated: 2021-04-23. Review status: criteria provided, single submitter. Criteria: GeneDx Variant Classification Process June 2021. Collection method: clinical testing. Allele origin: germline. Affected: yes.
Comment: This variant is associated with the following publications: (PMID: 32859249)

Mendelics
Classification: Likely benign for Dyskinesia with orofacial involvement, autosomal dominant. Last evaluated: 2019-05-28. Review status: criteria provided, single submitter. Criteria: Mendelics Assertion Criteria 2017. Collection method: clinical testing. Allele origin: unknown.

Institute of Human Genetics, University of Leipzig Medical Center
Classification: Uncertain significance for Dyskinesia with orofacial involvement, autosomal dominant. Last evaluated: 2016-10-10. Review status: criteria provided, single submitter. Criteria: ACMG Guidelines, 2015. Collection method: clinical testing. Allele origin: germline. Affected: yes. Observed: 1 variant allele.

Clinical Genetics DNA and cytogenetics Diagnostics Lab, Erasmus MC, Erasmus Medical Center
Classification: Likely benign. Review status: no assertion criteria provided. Collection method: clinical testing. Allele origin: germline. Affected: yes. Study: VKGL Data-share Consensus. Not counted in ClinVar's aggregate classification.

Diagnostic Laboratory, Department of Genetics, University Medical Center Groningen
Classification: Likely benign. Review status: no assertion criteria provided. Collection method: clinical testing. Allele origin: germline. Affected: yes. Study: VKGL Data-share Consensus. Not counted in ClinVar's aggregate classification.